The following is an entry in ClinVar:

ClinVar aggregate classification (germline): Uncertain significance. Review status: criteria provided, multiple submitters, no conflicts (2 of 4 stars). 2 submissions from 2 submitters: Uncertain significance (2). Last evaluated 2025-03-07.

Conditions:
Hereditary cancer-predisposing syndrome. Also called: Hereditary neoplastic syndrome; Tumor predisposition; Hereditary Cancer Syndrome; Neoplastic Syndromes, Hereditary. Identifiers: Orphanet 140162, MedGen C0027672, MeSH D009386, MONDO:0015356.
Rhabdoid tumor predisposition syndrome 2 (RTPS2). Identifiers: Orphanet 231108, Orphanet 69077, MedGen C2750074, MONDO:0013224, OMIM 613325.

Submissions (2):

Ambry Genetics
Classification: Uncertain significance for Hereditary cancer-predisposing syndrome. Last evaluated: 2025-03-07. Review status: criteria provided, single submitter. Criteria: Ambry Variant Classification Scheme 2023. Collection method: clinical testing. Allele origin: germline.
Comment: The p.D155N variant (also known as c.463G>A), located in coding exon 3 of the SMARCA4 gene, results from a G to A substitution at nucleotide position 463. The aspartic acid at codon 155 is replaced by asparagine, an amino acid with highly similar properties. This amino acid position is conserved. In addition, this alteration is predicted to be tolerated by in silico analysis. Based on the available evidence, the clinical significance of this variant remains unclear.

Labcorp Genetics (formerly Invitae), Labcorp
Classification: Uncertain significance for Rhabdoid tumor predisposition syndrome 2. Last evaluated: 2024-04-18. Review status: criteria provided, single submitter. Criteria: Invitae Variant Classification Sherloc (09022015). Collection method: clinical testing. Allele origin: germline.
Comment: This sequence change replaces aspartic acid, which is acidic and polar, with asparagine, which is neutral and polar, at codon 155 of the SMARCA4 protein (p.Asp155Asn). This variant is not present in population databases (gnomAD no frequency). This variant has not been reported in the literature in individuals affected with SMARCA4-related conditions. Advanced modeling of protein sequence and biophysical properties (such as structural, functional, and spatial information, amino acid conservation, physicochemical variation, residue mobility, and thermodynamic stability) performed at Invitae indicates that this missense variant is not expected to disrupt SMARCA4 protein function with a negative predictive value of 95%. In summary, the available evidence is currently insufficient to determine the role of this variant in disease. Therefore, it has been classified as a Variant of Uncertain Significance.

NM_003072.5(SMARCA4):c.463G>A (p.Asp155Asn)

Gene: SMARCA4 (SWI/SNF related BAF chromatin remodeling complex subunit ATPase 4; plus strand). Cytogenetic location: 19p13.2.
Variant type: single nucleotide variant.
Coding change: c.463G>A on transcript NM_003072.5 (MANE Select); coding-DNA position 463, G replaced by A.
Protein change: p.Asp155Asn; replaces aspartic acid 155 with asparagine.
Molecular consequence: missense variant. On other transcripts: non-coding transcript variant (1).
Genome position (GRCh38, 1-based): chr19:10,986,296, G>A. VCF-style: chr19-10986296-G-A. GRCh37 (hg19) VCF-style: chr19-11096972-G-A.
Other names: c.463G>A, p.Asp155Asn (NM_001128849.3, NM_001374457.1, NM_001387283.1 and 6 more transcripts); c.463G>A (NM_001128849.1); short protein forms D155N.
Identifiers: ClinVar variation 3636828 (VCV003636828.3).